The following is an entry in ClinVar:

ClinVar aggregate classification (germline): Uncertain significance. Review status: criteria provided, multiple submitters, no conflicts (2 of 4 stars). 2 submissions from 2 submitters: Uncertain significance (2). Last evaluated 2021-01-19.

Conditions:
Wilms tumor 1 (WT1). Also called: Wilms tumor, somatic. Identifiers: Orphanet 654, MedGen CN033288, MONDO:0008679, OMIM 194070.

Submissions (2):

Labcorp Genetics (formerly Invitae), Labcorp
Classification: Uncertain significance for Wilms tumor 1. Last evaluated: 2021-01-19. Review status: criteria provided, single submitter. Criteria: Invitae Variant Classification Sherloc (09022015). Collection method: clinical testing. Allele origin: germline.
Comment: Algorithms developed to predict the effect of missense changes on protein structure and function are either unavailable or do not agree on the potential impact of this missense change (SIFT: "Tolerated"; PolyPhen-2: "Possibly Damaging"; Align-GVGD: "Class C0"). This sequence change replaces valine with glutamic acid at codon 280 of the GPC3 protein (p.Val280Glu). The valine residue is moderately conserved and there is a moderate physicochemical difference between valine and glutamic acid. This variant is not present in population databases (ExAC no frequency). This variant has not been reported in the literature in individuals with GPC3-related conditions. In summary, the available evidence is currently insufficient to determine the role of this variant in disease. Therefore, it has been classified as a Variant of Uncertain Significance.

CeGaT Center for Human Genetics Tuebingen
Classification: Uncertain significance. Last evaluated: 2019-11-01. Review status: criteria provided, single submitter. Criteria: CeGaT Center For Human Genetics Tuebingen Variant Classification Criteria Version 2. Collection method: clinical testing. Allele origin: germline. Affected: yes. Observed: 1 variant allele.

NM_004484.4(GPC3):c.839T>A (p.Val280Glu)

Gene: GPC3 (glypican 3; minus strand). Cytogenetic location: Xq26.2.
Variant type: single nucleotide variant.
Coding change: c.839T>A on transcript NM_004484.4 (MANE Select); coding-DNA position 839, T replaced by A.
Protein change: p.Val280Glu; replaces valine 280 with glutamic acid.
Molecular consequence: missense variant.
Genome position (GRCh38, 1-based): chrX:133,753,675, A>T on the plus strand (T>A on the coding strand, the complement: GPC3 is on the minus strand). VCF-style: chrX-133753675-A-T. GRCh37 (hg19) VCF-style: chrX-132887702-A-T.
Other names: c.839T>A, p.Val280Glu (NM_001164617.2); c.791T>A, p.Val264Glu (NM_001164618.2); c.677T>A, p.Val226Glu (NM_001164619.2); short protein forms V264E, V280E, V226E.
Identifiers: ClinVar variation 871946 (VCV000871946.47), dbSNP rs764111452, ClinGen allele CA414705601.